The following is an entry in ClinVar:

ClinVar aggregate classification (germline): Uncertain significance (1 of 4 stars; one submission).

gnomAD v4.1: 2 of 1,613,714 alleles (0.00012%); highest among the groups gnomAD compares: Admixed American, 0.0033%; no homozygotes.

Submission:

Dasa
Classification: Uncertain significance. Last evaluated: 2025-11-28. Review status: criteria provided, single submitter. Criteria: DASA Assertion Criteria. Collection method: clinical testing. Allele origin: germline.
Comment: NM_002941.4(ROBO1):c.4403C>T (p.Pro1468Leu) is a missense variant that results in the substitution of proline with leucine. This variant is rare in population databases. Computational prediction algorithms are consistent with a benign effect. The currently available literature and clinical evidence are not sufficient to establish a definitive association between this variant and the reported condition. Therefore, this variant is classified as a variant of uncertain significance.

NM_002941.4(ROBO1):c.4403C>T (p.Pro1468Leu)

Gene: ROBO1 (roundabout guidance receptor 1; minus strand). Cytogenetic location: 3p12.3.
Variant type: single nucleotide variant.
Coding change: c.4403C>T on transcript NM_002941.4 (MANE Select); coding-DNA position 4403, C replaced by T.
Protein change: p.Pro1468Leu; replaces proline 1468 with leucine.
Molecular consequence: missense variant.
Genome position (GRCh38, 1-based): chr3:78,614,680, G>A on the plus strand (C>T on the coding strand, the complement: ROBO1 is on the minus strand). VCF-style: chr3-78614680-G-A. GRCh37 (hg19) VCF-style: chr3-78663830-G-A.
Other names: c.4103C>T, p.Pro1368Leu (NM_001145845.2); c.4268C>T, p.Pro1423Leu (NM_133631.4); short protein forms P1368L, P1423L, P1468L.
Identifiers: ClinVar variation 4882101 (VCV004882101.2).